The following is an entry in ClinVar:

NM_001128228.3(TPRN):c.245G>A (p.Arg82Gln)

Gene: TPRN (taperin; minus strand). Cytogenetic location: 9q34.3.
Variant type: single nucleotide variant.
Coding change: c.245G>A on transcript NM_001128228.3 (MANE Select); coding-DNA position 245, G replaced by A.
Protein change: p.Arg82Gln; replaces arginine 82 with glutamine.
Molecular consequence: missense variant.
Genome position (GRCh38, 1-based): chr9:137,200,467, C>T on the plus strand (G>A on the coding strand, the complement: TPRN is on the minus strand). VCF-style: chr9-137200467-C-T. GRCh37 (hg19) VCF-style: chr9-140094919-C-T.
Other names: short protein forms R82Q.
Identifiers: ClinVar variation 1315112 (VCV001315112.7), dbSNP rs1179276843, ClinGen allele CA375784023.
Genomic context (GRCh38, chr9:137,200,467, plus strand): 5'-GTCTCGATGATGAGGACGCTGTCGGCGCGGAGGGCGCGCACGCCAGGCACGCGGCGGTAC[C>T]GCTCCAGCAGCCGCGCCCCCGCCGCGCCCCCGCCGCGCCGCCGCTCGGCCTCCAGCAGCA-3'
Protein context (NP_001121700.2, residues 72-92): GGAAGARLLE[Arg82Gln]YRRVPGVRAL

ClinVar aggregate classification (germline): Uncertain significance. Review status: criteria provided, multiple submitters, no conflicts (2 of 4 stars). 2 submissions from 2 submitters: Uncertain significance (2). Last evaluated 2025-07-10.

Submissions (2):

Labcorp Genetics (formerly Invitae), Labcorp
Classification: Uncertain significance. Last evaluated: 2025-07-10. Review status: criteria provided, single submitter. Criteria: Invitae Variant Classification Sherloc (09022015). Collection method: clinical testing. Allele origin: germline.
Comment: This sequence change replaces arginine, which is basic and polar, with glutamine, which is neutral and polar, at codon 82 of the TPRN protein (p.Arg82Gln). The frequency data for this variant in the population databases is considered unreliable, as metrics indicate insufficient coverage at this position in the gnomAD database. This variant has not been reported in the literature in individuals affected with TPRN-related conditions. ClinVar contains an entry for this variant (Variation ID: 1315112). An algorithm developed to predict the effect of missense changes on protein structure and function (PolyPhen-2) suggests that this variant is likely to be tolerated. In summary, the available evidence is currently insufficient to determine the role of this variant in disease. Therefore, it has been classified as a Variant of Uncertain Significance.

GeneDx
Classification: Uncertain significance. Last evaluated: 2020-01-29. Review status: criteria provided, single submitter. Criteria: GeneDx Variant Classification Process June 2021. Collection method: clinical testing. Allele origin: germline. Affected: yes.
Comment: In silico analysis, which includes protein predictors and evolutionary conservation, supports that this variant does not alter protein structure/function; Has not been previously published as pathogenic or benign to our knowledge